The following is an entry in ClinVar:

ClinVar aggregate classification (germline): Uncertain significance (1 of 4 stars; one submission).

Conditions:
Rubinstein-Taybi syndrome (RSTS). Identifiers: Orphanet 783, MedGen C0035934, MONDO:0019188.

Submission:

Labcorp Genetics (formerly Invitae), Labcorp
Classification: Uncertain significance for Rubinstein-Taybi syndrome. Last evaluated: 2025-03-17. Review status: criteria provided, single submitter. Criteria: Invitae Variant Classification Sherloc (09022015). Collection method: clinical testing. Allele origin: germline.
Comment: This sequence change replaces aspartic acid, which is acidic and polar, with glutamic acid, which is acidic and polar, at codon 1155 of the CREBBP protein (p.Asp1155Glu). This variant is not present in population databases (gnomAD no frequency). This variant has not been reported in the literature in individuals affected with CREBBP-related conditions. ClinVar contains an entry for this variant (Variation ID: 1924747). Invitae Evidence Modeling of protein sequence and biophysical properties (such as structural, functional, and spatial information, amino acid conservation, physicochemical variation, residue mobility, and thermodynamic stability) indicates that this missense variant is not expected to disrupt CREBBP protein function with a negative predictive value of 95%. In summary, the available evidence is currently insufficient to determine the role of this variant in disease. Therefore, it has been classified as a Variant of Uncertain Significance.

NM_004380.3(CREBBP):c.3465C>A (p.Asp1155Glu)

Gene: CREBBP (CREB binding lysine acetyltransferase; minus strand). Cytogenetic location: 16p13.3.
Variant type: single nucleotide variant.
Coding change: c.3465C>A on transcript NM_004380.3 (MANE Select); coding-DNA position 3465, C replaced by A.
Protein change: p.Asp1155Glu; replaces aspartic acid 1155 with glutamic acid.
Molecular consequence: missense variant.
Genome position (GRCh38, 1-based): chr16:3,757,953, G>T on the plus strand (C>A on the coding strand, the complement: CREBBP is on the minus strand). VCF-style: chr16-3757953-G-T. GRCh37 (hg19) VCF-style: chr16-3807954-G-T.
Other names: c.3351C>A, p.Asp1117Glu (NM_001079846.1); short protein forms D1117E, D1155E.
Identifiers: ClinVar variation 1924747 (VCV001924747.5), dbSNP rs1447337021, ClinGen allele CA394568873.